The following is an entry in ClinVar:

NM_007194.4(CHEK2):c.1376-10G>A

Gene: CHEK2 (checkpoint kinase 2; minus strand). Cytogenetic location: 22q12.1.
Variant type: single nucleotide variant.
Coding change: c.1376-10G>A on transcript NM_007194.4 (MANE Select); 10 bases into the intron before coding-DNA position 1376, G replaced by A.
Molecular consequence: intron variant.
Genome position (GRCh38, 1-based): chr22:28,694,127, C>T on the plus strand (G>A on the coding strand, the complement: CHEK2 is on the minus strand). VCF-style: chr22-28694127-C-T. GRCh37 (hg19) VCF-style: chr22-29090115-C-T.
Other names: c.713-10G>A (NM_001437942.1, NM_001257387.3); c.1175-10G>A (NM_001349956.3); c.1289-10G>A (NM_145862.3); c.1382-10G>A (NM_001438295.1); c.1469-10G>A (NM_001438293.1); c.1418-10G>A (NM_001438294.1); c.1505-10G>A (NM_001005735.3).
Identifiers: ClinVar variation 3772816 (VCV003772816.1).

ClinVar aggregate classification (germline): Likely benign (1 of 4 stars; one submission).

Conditions:
Familial cancer of breast. Also called: Hereditary breast cancer; BREAST CANCER, FAMILIAL; hereditary breast carcinoma. Identifiers: Orphanet 227535, MedGen C0346153, MONDO:0016419, OMIM 114480. Disease mechanism: loss of function.

Submission:

Myriad Genetics, Inc.
Classification: Likely benign for Familial cancer of breast. Last evaluated: 2024-10-08. Review status: criteria provided, single submitter. Criteria: Myriad Autosomal Dominant, Autosomal Recessive and X-Linked Classification Criteria (2023). Collection method: clinical testing. Allele origin: unknown.
Comment: This variant is considered likely benign. This variant is intronic and is not expected to impact mRNA splicing.